The following is an entry in ClinVar:

NM_018474.6(KIZ):c.386C>T (p.Thr129Ile)

Gene: KIZ (kizuna centrosomal protein; plus strand). Cytogenetic location: 20p11.23.
Variant type: single nucleotide variant.
Coding change: c.386C>T on transcript NM_018474.6 (MANE Select); coding-DNA position 386, C replaced by T.
Protein change: p.Thr129Ile; replaces threonine 129 with isoleucine.
Molecular consequence: missense variant. On other transcripts: intron variant (1).
Genome position (GRCh38, 1-based): chr20:21,145,635, C>T. VCF-style: chr20-21145635-C-T. GRCh37 (hg19) VCF-style: chr20-21126276-C-T.
Other names: c.77C>T, p.Thr26Ile (NM_001163022.3, NM_001352435.2); c.239C>T, p.Thr80Ile (NM_001276389.2); c.386C>T, p.Thr129Ile (NM_001352434.2); c.44C>T, p.Thr15Ile (NM_001352436.2); c.6+13476C>T (NM_001163023.3); short protein forms T129I, T15I, T26I, T80I.
Identifiers: ClinVar variation 856895 (VCV000856895.7), dbSNP rs189565110, ClinGen allele CA312977912.

ClinVar aggregate classification (germline): Uncertain significance. Review status: criteria provided, multiple submitters, no conflicts (2 of 4 stars). 2 submissions from 2 submitters: Uncertain significance (2). Last evaluated 2023-12-15.

Allele frequency attached by ClinVar (database versions not stated): gnomAD exomes below 0.00001; gnomAD 0.00004 and 0.00005; TOPMed 0.00007; 1000 Genomes Project 0.00020; 1000 Genomes Project 30x 0.00031.
gnomAD v4.1: 14 of 1,494,258 alleles (0.00094%); highest among the groups gnomAD compares: Admixed American, 0.023%; no homozygotes.

Submissions (2):

Ambry Genetics
Classification: Uncertain significance. Last evaluated: 2023-12-15. Review status: criteria provided, single submitter. Criteria: Ambry Variant Classification Scheme 2023. Collection method: clinical testing. Allele origin: germline.

Labcorp Genetics (formerly Invitae), Labcorp
Classification: Uncertain significance. Last evaluated: 2022-11-01. Review status: criteria provided, single submitter. Criteria: Invitae Variant Classification Sherloc (09022015). Collection method: clinical testing. Allele origin: germline.
Comment: This sequence change replaces threonine, which is neutral and polar, with isoleucine, which is neutral and non-polar, at codon 129 of the KIZ protein (p.Thr129Ile). The frequency data for this variant in the population databases is considered unreliable, as metrics indicate poor data quality at this position in the gnomAD database. This variant has not been reported in the literature in individuals affected with KIZ-related conditions. ClinVar contains an entry for this variant (Variation ID: 856895). Experimental studies and prediction algorithms are not available or were not evaluated, and the functional significance of this variant is currently unknown. In summary, the available evidence is currently insufficient to determine the role of this variant in disease. Therefore, it has been classified as a Variant of Uncertain Significance.